The following is an entry in ClinVar:

NM_000255.4(MMUT):c.145_146insCCTGGAGCCCTGTTGGCAGCTCTAGCTTTGCAGTCGTGTAATTGGCCCAAGTCATTGTTTTTCTCGCCTCACTTTNNNNNNNNNNAAAAAAAAAAAAAAAAAAAAAAAA (p.Lys49delinsThrTrpSerProValGlySerSerSerPheAlaValValTer)

Gene: MMUT (methylmalonyl-CoA mutase; minus strand). Cytogenetic location: 6p12.3.
Variant type: Microsatellite.
Coding change: c.145_146insCCTGGAGCCCTGTTGGCAGCTCTAGCTTTGCAGTCGTGTAATTGGCCCAAGTCATTGTTTTTCTCGCCTCACTTTNNNNNNNNNNAAAAAAAAAAAAAAAAAAAAAAAA on transcript NM_000255.4 (MANE Select); coding-DNA positions 145 to 146, CCTGGAGCCCTGTTGGCAGCTCTAGCTTTGCAGTCGTGTAATTGGCCCAAGTCATTGTTTTTCTCGCCTCACTTTNNNNNNNNNNAAAAAAAAAAAAAAAAAAAAAAAA inserted.
Protein change: p.Lys49delinsThrTrpSerProValGlySerSerSerPheAlaValValTer.
Molecular consequence: nonsense.
Genome position: GRCh38: chr6:49,459,322-49,459,325. GRCh37 (hg19): chr6:49,427,035-49,427,038.
Identifiers: ClinVar variation 2046767 (VCV002046767.4).

ClinVar aggregate classification (germline): Pathogenic (1 of 4 stars; one submission).

Submission:

Labcorp Genetics (formerly Invitae), Labcorp
Classification: Pathogenic. Last evaluated: 2022-06-09. Review status: criteria provided, single submitter. Criteria: Invitae Variant Classification Sherloc (09022015). Collection method: clinical testing. Allele origin: germline.
Comment: For these reasons, this variant has been classified as Pathogenic. Retrotransposon insertions including LINE1 (L1), Alu, and SVA (SINE-VNTR-Alu) have been reported to be disease-causing through disruption of either a coding region or splice site (PMID: 19763152, 20307669, 22406018) and loss-of-function variants in MUT are known to be pathogenic (PMID: 15781192). Algorithms developed to predict the effect of sequence changes on RNA splicing suggest that this variant may disrupt the consensus splice site. This variant has not been reported in the literature in individuals affected with MUT-related conditions. This variant is not present in population databases (gnomAD no frequency). This sequence change inserts a large fragment of DNA, likely a transposable element, in exon 2 of the MUT gene (c.145_146ins?), causing a frameshift at codon 49 (p.Lys49fs). The exact size and sequence of the insertion cannot be determined by the current assay. However, the insertion is expected to result in an absent or disrupted protein product.

Literature cited by the submitters: PubMed 19763152; PubMed 20307669; PubMed 22406018; PubMed 15781192.